The following is an entry in ClinVar:

NM_206926.2(SELENON):c.1256G>C (p.Trp419Ser)

Gene: SELENON (selenoprotein N; plus strand). Cytogenetic location: 1p36.11.
Variant type: single nucleotide variant.
Coding change: c.1256G>C on transcript NM_206926.2 (MANE Select); coding-DNA position 1256, G replaced by C.
Protein change: p.Trp419Ser; replaces tryptophan 419 with serine.
Molecular consequence: missense variant.
Genome position (GRCh38, 1-based): chr1:25,812,763, G>C. VCF-style: chr1-25812763-G-C. GRCh37 (hg19) VCF-style: chr1-26139254-G-C.
Other names: NM_020451.3(SELENON):c.1358G>C; c.1358G>C, p.Trp453Ser (NM_020451.3); c.1358G>C (NM_020451.2); short protein forms W453S, W419S.
Identifiers: ClinVar variation 4493 (VCV000004493.6), dbSNP rs121908186, ClinGen allele CA253171.
Genomic context (GRCh38, chr1:25,812,763, plus strand): 5'-TCACTGAGGCCTTCGACCGAGCCAAGGCTGAGAACAAGCTGGTGCACTCAATCCTGCTGT[G>C]GGGGGCCCTGGATGACCAGTCCTGCTGAGGTGAGGGGCCCGGCTGGATCTAAGGGGAGCA-3'
Protein context (NP_996809.1, residues 409-429): ENKLVHSILL[Trp419Ser]GALDDQSCUG

ClinVar aggregate classification (germline): Conflicting classifications of pathogenicity. Review status: criteria provided, conflicting classifications (1 of 4 stars). 3 submissions from 3 submitters: Likely pathogenic (1); Uncertain significance (1). 1 of the submissions does not count toward it. Last evaluated 2025-02-19.

Conditions:
SELENON-related disorder. Also called: SELENON-related condition.
Eichsfeld type congenital muscular dystrophy (CMYO3). Also called: Rigid spine muscular dystrophy 1; MYOPATHY, SEPN1-RELATED; SELENON-related myopathy; Congenital myopathy 3 with rigid spine. Identifiers: MedGen C0410180, MONDO:0100100, OMIM 602771.

Allele frequency attached by ClinVar (database versions not stated): gnomAD exomes below 0.00001; gnomAD 0.00001; TOPMed 0.00002.
gnomAD v4.1: 15 of 1,613,278 alleles (0.00093%); highest among the groups gnomAD compares: Non-Finnish European, 0.0013%; no homozygotes.

Submissions (3):

PreventionGenetics, part of Exact Sciences
Classification: Uncertain significance for SELENON-related condition. Last evaluated: 2025-02-19. Review status: criteria provided, single submitter. Criteria: ACMG Guidelines, 2015. Collection method: clinical testing. Allele origin: germline.
Comment: The SELENON c.1358G>C variant is predicted to result in the amino acid substitution p.Trp453Ser. This variant has been reported with other pathogenic SELENON variants in two individuals with selenoprotein N-related myopathy (Ferreiro et al. 2002. PubMed ID: 12192640; Varone et al. 2019. PubMed ID: 30921636; Scoto et al. 2011. PubMed ID: 21670436; Zhang et al. 2021. PubMed ID: 34867752). This variant is reported in 0.00089% of alleles in individuals of European (Non-Finnish) descent in gnomAD. Although we suspect that this variant may be pathogenic, at this time, the clinical significance of this variant is uncertain due to the absence of conclusive functional and genetic evidence.

Broad Center for Mendelian Genomics, Broad Institute of MIT and Harvard
Classification: Likely pathogenic. Last evaluated: 2023-01-24. Review status: criteria provided, single submitter. Criteria: ACMG Guidelines, 2015. Collection method: curation. Allele origin: germline. Inheritance: Autosomal recessive inheritance.
Comment: The p.Trp453Ser variant in SELENON has been reported in 3 individuals with SELENON-RM (PMID: 12192640, 30921636, 34867752) and has been identified in 0.0009% (1/112060) of European (non-Finnish) chromosomes by the Genome Aggregation Database (gnomAD; dbSNP ID: rs121908186). Although this variant has been seen in the general population in a heterozygous state, its frequency is low enough to be consistent with a recessive carrier frequency. This variant has also been reported in ClinVar (Variation ID#: 4493) and has been interpreted as pathogenic by OMIM. Of the 3 affected individuals, 1 was a compound heterozygote that carried a reported pathogenic variants in trans, and 1 was a compound heterozygote that carried a reported likely pathogenic variant in trans, which increases the likelihood that the p.Trp453Ser variant is pathogenic (VariationID: 4492, 657794; PMID: 12192640, 34867752). Computational prediction tools and conservation analyses suggest that this variant may impact the protein, though this information is not predictive enough to determine pathogenicity. In summary, although additional studies are required to fully establish its clinical significance, this variant is likely pathogenic for autosomal recessive SELENON-RM. ACMG/AMP Criteria applied: PP3, PM3_strong, PM2_supporting, (Richards 2015).

OMIM
Classification: Pathogenic for CONGENITAL MYOPATHY 3 WITH RIGID SPINE. Last evaluated: 2002-10-01. Review status: no assertion criteria provided. Collection method: literature only. Allele origin: germline. Not counted in ClinVar's aggregate classification.

Literature cited by the submitters: PubMed 12192640 (cited by OMIM).